The following is an entry in ClinVar:

ClinVar aggregate classification (germline): Benign. Review status: reviewed by expert panel (3 of 4 stars). 5 submissions from 5 submitters: Benign (1). 4 of the submissions do not count toward it. Last evaluated 2026-10-13.

Conditions:
Anauxetic dysplasia. Identifiers: Orphanet 93347, MedGen C1846796, MONDO:0011773.
Metaphyseal chondrodysplasia, McKusick type (CHH). Also called: Cartilage-Hair Hypoplasia (CHH); Cartilage-hair hypoplasia. Identifiers: Orphanet 175, MedGen C0220748, MONDO:0009595, OMIM 250250.

Allele frequency attached by ClinVar (database versions not stated): 1000 Genomes Project 0.48682; 1000 Genomes Project 30x 0.48595; TOPMed 0.47005; gnomAD exomes 0.45531 and 0.46029; ExAC 0.47592.

Submissions (5):

ClinGen Severe Combined Immunodeficiency Variant Curation Expert Panel, ClinGen
Classification: Benign for Metaphyseal chondrodysplasia, McKusick type. Last evaluated: 2026-10-13. Review status: reviewed by expert panel. Criteria: ClinGen SCID ACMG Specifications RMRP V1.3. Collection method: curation. Allele origin: germline. Inheritance: Autosomal recessive inheritance.
Comment: The NC_000009.12:g.35658065G>T variant has a Grpmax Filtering Allele Frequency (95% CI) of the variant is 0.5461 in the East Asian (19837/35902 alleles) in gnomAD v4.1.0 which is higher than the ClinGen SCID VCEP threshold (>0.00400) for BA1, and therefore, meets this criterion (BA1). This variant has been observed in 65460 homozygous individuals in gnomAD V4.1.0 (BS2_Strong). This variant is known as 9-35658065-G-T in gnomAD. In summary, this variant is classified as Benign for Autosomal Recessive Cartilage Hair Hypoplasia based on the ACMG/AMP criteria applied, as specified by the ClinGen SCID VCEP:BA1, BS2_Strong (SCID VCEP specifications version 1.3).

Labcorp Genetics (formerly Invitae), Labcorp
Classification: Benign for Anauxetic dysplasia. Last evaluated: 2026-02-04. Review status: criteria provided, single submitter. Criteria: Invitae Variant Classification Sherloc (09022015). Collection method: clinical testing. Allele origin: germline. Not counted in ClinVar's aggregate classification.

ARUP Laboratories, Molecular Genetics and Genomics, ARUP Laboratories
Classification: Benign. Last evaluated: 2025-07-28. Review status: criteria provided, single submitter. Criteria: ARUP Molecular Germline Variant Investigation Process 2024. Collection method: clinical testing. Allele origin: germline. Not counted in ClinVar's aggregate classification.

GeneDx
Classification: Benign. Last evaluated: 2013-10-17. Review status: criteria provided, single submitter. Criteria: GeneDx Variant Classification (06012015). Collection method: clinical testing. Allele origin: germline. Affected: yes. Not counted in ClinVar's aggregate classification.
Comment: This variant is considered likely benign or benign based on one or more of the following criteria: it is a conservative change, it occurs at a poorly conserved position in the protein, it is predicted to be benign by multiple in silico algorithms, and/or has population frequency not consistent with disease.

Breakthrough Genomics
Classification: Benign. Review status: criteria provided, single submitter. Criteria: ACMG Guidelines, 2015. Collection method: not provided. Allele origin: germline. Inheritance: Autosomal recessive inheritance. Affected: yes. Not counted in ClinVar's aggregate classification.

NC_000009.12:g.35658065G>T

Gene: RMRP (RNA component of mitochondrial RNA processing endoribonuclease; minus strand). Cytogenetic location: 9p13.3.
Variant type: single nucleotide variant.
Genome position: GRCh38 VCF-style: chr9-35658065-G-T. GRCh37 (hg19) VCF-style: chr9-35658062-G-T.
Identifiers: ClinVar variation 138922 (VCV000138922.14), dbSNP rs3829076, ClinGen allele CA293096.